The following is an entry in ClinVar:

NM_002875.5(RAD51):c.55A>G (p.Ser19Gly)

Gene: RAD51 (RAD51 recombinase; plus strand). Cytogenetic location: 15q15.1.
Variant type: single nucleotide variant.
Coding change: c.55A>G on transcript NM_002875.5 (MANE Select); coding-DNA position 55, A replaced by G.
Protein change: p.Ser19Gly; replaces serine 19 with glycine.
Molecular consequence: missense variant.
Genome position (GRCh38, 1-based): chr15:40,698,813, A>G. VCF-style: chr15-40698813-A-G. GRCh37 (hg19) VCF-style: chr15-40991011-A-G.
Other names: c.55A>G, p.Ser19Gly (NM_001164269.2, NM_001164270.2, NM_133487.4); short protein forms S19G.
Identifiers: ClinVar variation 1748545 (VCV001748545.2), dbSNP rs755132632, ClinGen allele CA7483900.

ClinVar aggregate classification (germline): Uncertain significance (1 of 4 stars; one submission).

Conditions:
Inborn genetic diseases. Identifiers: MedGen C0950123, MeSH D030342.

Allele frequency attached by ClinVar (database versions not stated): ExAC 0.00002; gnomAD exomes 0.00003; gnomAD 0.00005; TOPMed 0.00008.
gnomAD v4.1: 48 of 1,614,104 alleles (0.003%); highest among the groups gnomAD compares: African/African-American, 0.013%; no homozygotes.

Submission:

Ambry Genetics
Classification: Uncertain significance for Inborn genetic diseases. Last evaluated: 2021-07-17. Review status: criteria provided, single submitter. Criteria: Ambry Variant Classification Scheme 2023. Collection method: clinical testing. Allele origin: germline.
Comment: The p.S19G variant (also known as c.55A>G), located in coding exon 1 of the RAD51 gene, results from an A to G substitution at nucleotide position 55. The serine at codon 19 is replaced by glycine, an amino acid with similar properties. This amino acid position is conserved. In addition, this alteration is predicted to be tolerated by in silico analysis. Since supporting evidence is limited at this time, the clinical significance of this alteration remains unclear.